The following is an entry in ClinVar:

NM_080680.3(COL11A2):c.197C>T (p.Ala66Val)

Gene: COL11A2 (collagen type XI alpha 2 chain; minus strand). Cytogenetic location: 6p21.32.
Variant type: single nucleotide variant.
Coding change: c.197C>T on transcript NM_080680.3 (MANE Select); coding-DNA position 197, C replaced by T.
Protein change: p.Ala66Val; replaces alanine 66 with valine.
Molecular consequence: missense variant.
Genome position (GRCh38, 1-based): chr6:33,189,355, G>A on the plus strand (C>T on the coding strand, the complement: COL11A2 is on the minus strand). VCF-style: chr6-33189355-G-A. GRCh37 (hg19) VCF-style: chr6-33157132-G-A.
Other names: c.197C>T, p.Ala66Val (NM_001163771.2, NM_080679.3, NM_080681.3); short protein forms A66V.
Identifiers: ClinVar variation 1345541 (VCV001345541.3), dbSNP rs1772821440, ClinGen allele CA363613135.
Genomic context (GRCh38, chr6:33,189,355, plus strand): 5'-GCCTACCCCACCATGTCACCCATACCTGGGAAAAGCTGGCGAGTGGGTGCACTGAGCTGG[G>A]CAGGTCGTGCCACTCGGTAGGCCACATCAGCTGGACAGATGCCTTTCGCTCTCCGGACAC-3'
Protein context (NP_542411.2, residues 56-76): ADVAYRVARP[Ala66Val]QLSAPTRQLF

ClinVar aggregate classification (germline): Uncertain significance (1 of 4 stars; one submission).

Allele frequency attached by ClinVar (database versions not stated): gnomAD exomes below 0.00001; gnomAD 0.00001.
gnomAD v4.1: 4 of 1,613,368 alleles (0.00025%); highest among the groups gnomAD compares: South Asian, 0.0033%; no homozygotes.

Submission:

Labcorp Genetics (formerly Invitae), Labcorp
Classification: Uncertain significance. Last evaluated: 2021-11-06. Review status: criteria provided, single submitter. Criteria: Invitae Variant Classification Sherloc (09022015). Collection method: clinical testing. Allele origin: germline.
Comment: This sequence change replaces alanine, which is neutral and non-polar, with valine, which is neutral and non-polar, at codon 66 of the COL11A2 protein (p.Ala66Val). This variant is not present in population databases (gnomAD no frequency). This variant has not been reported in the literature in individuals affected with COL11A2-related conditions. Advanced modeling of protein sequence and biophysical properties (such as structural, functional, and spatial information, amino acid conservation, physicochemical variation, residue mobility, and thermodynamic stability) performed at Invitae indicates that this missense variant is not expected to disrupt COL11A2 protein function. In summary, the available evidence is currently insufficient to determine the role of this variant in disease. Therefore, it has been classified as a Variant of Uncertain Significance.